The following is an entry in ClinVar:

NM_002354.3(EPCAM):c.185-5T>C

Gene: EPCAM (epithelial cell adhesion molecule; plus strand). Cytogenetic location: 2p21.
Variant type: single nucleotide variant.
Coding change: c.185-5T>C on transcript NM_002354.3 (MANE Select); 5 bases into the intron before coding-DNA position 185, T replaced by C.
Molecular consequence: intron variant.
Genome position (GRCh38, 1-based): chr2:47,373,803, T>C. VCF-style: chr2-47373803-T-C. GRCh37 (hg19) VCF-style: chr2-47600942-T-C.
Identifiers: ClinVar variation 4984402 (VCV004984402.1).

ClinVar aggregate classification (germline): Likely benign (1 of 4 stars; one submission).

Conditions:
EPCAM-related disorder. Also called: EPCAM-related condition.

gnomAD v4.1: 5 of 1,614,186 alleles (0.00031%); highest among the groups gnomAD compares: South Asian, 0.0011%; no homozygotes.

Submission:

PreventionGenetics, part of Exact Sciences
Classification: Likely benign for EPCAM-related condition. Last evaluated: 2025-02-05. Review status: criteria provided, single submitter. Criteria: ACMG Guidelines, 2015. Collection method: clinical testing. Allele origin: germline.
Comment: This variant is classified as likely benign based on ACMG/AMP sequence variant interpretation guidelines (Richards et al. 2015 PMID: 25741868, with internal and published modifications).